The following is an entry in ClinVar:

ClinVar aggregate classification (germline): Benign (1 of 4 stars; one submission).

Allele frequency attached by ClinVar (database versions not stated): 1000 Genomes Project 0.03854; 1000 Genomes Project 30x 0.03935; gnomAD 0.04850 and 0.05046; TOPMed 0.04860.
gnomAD v4.1: 7,444 of 152,192 alleles (4.9%); highest among the groups gnomAD compares: African/African-American, 6.2%; 173 homozygotes.

Submission:

GeneDx
Classification: Benign. Last evaluated: 2018-06-14. Review status: criteria provided, single submitter. Criteria: GeneDx Variant Classification (06012015). Collection method: clinical testing. Allele origin: germline. Affected: yes.
Comment: This variant is considered likely benign or benign based on one or more of the following criteria: it is a conservative change, it occurs at a poorly conserved position in the protein, it is predicted to be benign by multiple in silico algorithms, and/or has population frequency not consistent with disease.

NM_000393.5(COL5A2):c.3925+279A>G

Gene: COL5A2 (collagen type V alpha 2 chain; minus strand). Cytogenetic location: 2q32.2.
Variant type: single nucleotide variant.
Coding change: c.3925+279A>G on transcript NM_000393.5 (MANE Select); 279 bases into the intron after coding-DNA position 3925, A replaced by G.
Molecular consequence: intron variant.
Genome position (GRCh38, 1-based): chr2:189,038,993, T>C on the plus strand (A>G on the coding strand, the complement: COL5A2 is on the minus strand). VCF-style: chr2-189038993-T-C. GRCh37 (hg19) VCF-style: chr2-189903719-T-C.
Identifiers: ClinVar variation 681289 (VCV000681289.1), dbSNP rs77183421, ClinGen allele CA11040378.